The following is an entry in ClinVar:

ClinVar aggregate classification (germline): Likely benign. Review status: criteria provided, multiple submitters, no conflicts (2 of 4 stars). 6 submissions from 5 submitters: Likely benign (6). Last evaluated 2025-11-25.

Conditions:
Developmental and epileptic encephalopathy, 14 (DEE14). Also called: Early infantile epileptic encephalopathy 14. Identifiers: Orphanet 293181, MedGen C3554195, MONDO:0013989, OMIM 614959.
Autosomal dominant nocturnal frontal lobe epilepsy 5. Also called: CILIARY DYSKINESIA, PRIMARY, 28, WITHOUT SITUS INVERSUS; CILIARY DYSKINESIA, PRIMARY, 28, WITH SITUS INVERSUS; KCNT1-Related Epilepsy; Epilepsy, nocturnal frontal lobe, 5. Identifiers: Orphanet 98784, MedGen C3554306, MONDO:0014002, OMIM 615005.
Inborn genetic diseases. Identifiers: MedGen C0950123, MeSH D030342.

Allele frequency attached by ClinVar (database versions not stated): gnomAD 0.00024 and 0.00027; TOPMed 0.00025; ESP Exome Variant Server 0.00038.
gnomAD v4.1: 87 of 1,613,928 alleles (0.0054%); highest among the groups gnomAD compares: African/African-American, 0.084%; no homozygotes.

Submissions (6):

Labcorp Genetics (formerly Invitae), Labcorp
Classification: Likely benign for Autosomal dominant nocturnal frontal lobe epilepsy 5; Developmental and epileptic encephalopathy, 14. Last evaluated: 2025-11-25. Review status: criteria provided, single submitter. Criteria: Invitae Variant Classification Sherloc (09022015). Collection method: clinical testing. Allele origin: germline.

CeGaT Center for Human Genetics Tuebingen
Classification: Likely benign. Last evaluated: 2024-07-01. Review status: criteria provided, single submitter. Criteria: CeGaT Center For Human Genetics Tuebingen Variant Classification Criteria Version 2. Collection method: clinical testing. Allele origin: germline. Affected: yes. Observed: 2 variant alleles.
Comment: KCNT1: BP4, BP7

Genome-Nilou Lab
Classification: Likely benign for Developmental and epileptic encephalopathy, 14. Last evaluated: 2022-03-15. Review status: criteria provided, single submitter. Criteria: ACMG Guidelines, 2015. Collection method: clinical testing. Allele origin: germline. Affected: no.

Genome-Nilou Lab
Classification: Likely benign for Autosomal dominant nocturnal frontal lobe epilepsy 5. Last evaluated: 2022-03-15. Review status: criteria provided, single submitter. Criteria: ACMG Guidelines, 2015. Collection method: clinical testing. Allele origin: germline. Affected: no.

Ambry Genetics
Classification: Likely benign for Inborn genetic diseases. Last evaluated: 2018-03-12. Review status: criteria provided, single submitter. Criteria: Ambry Variant Classification Scheme 2023. Collection method: clinical testing. Allele origin: germline.

GeneDx
Classification: Likely benign. Last evaluated: 2016-07-13. Review status: criteria provided, single submitter. Criteria: GeneDx Variant Classification (06012015). Collection method: clinical testing. Allele origin: germline. Affected: yes.
Comment: This variant is considered likely benign or benign based on one or more of the following criteria: it is a conservative change, it occurs at a poorly conserved position in the protein, it is predicted to be benign by multiple in silico algorithms, and/or has population frequency not consistent with disease.

NM_020822.3(KCNT1):c.2418G>A (p.Ser806=)

Gene: KCNT1 (potassium sodium-activated channel subfamily T member 1; plus strand). Cytogenetic location: 9q34.3.
Variant type: single nucleotide variant.
Coding change: c.2418G>A on transcript NM_020822.3 (MANE Select); coding-DNA position 2418, G replaced by A.
Protein change: p.Ser806=; no amino-acid change (serine 806 retained).
Molecular consequence: synonymous variant.
Genome position (GRCh38, 1-based): chr9:135,777,406, G>A. VCF-style: chr9-135777406-G-A. GRCh37 (hg19) VCF-style: chr9-138669252-G-A.
Other names: c.2283G>A, p.Ser761= (NM_001272003.2).
Identifiers: ClinVar variation 387572 (VCV000387572.39), dbSNP rs142726010, ClinGen allele CA5327301.